The following is an entry in ClinVar:

NM_020207.7(ERCC6L2):c.832A>G (p.Lys278Glu)

Gene: ERCC6L2 (ERCC excision repair 6 like 2; plus strand). Cytogenetic location: 9q22.32.
Variant type: single nucleotide variant.
Coding change: c.832A>G on transcript NM_020207.7 (MANE Select); coding-DNA position 832, A replaced by G.
Protein change: p.Lys278Glu; replaces lysine 278 with glutamic acid.
Molecular consequence: missense variant. On other transcripts: non-coding transcript variant (1).
Genome position (GRCh38, 1-based): chr9:95,915,711, A>G. VCF-style: chr9-95915711-A-G. GRCh37 (hg19) VCF-style: chr9-98677993-A-G.
Other names: c.832A>G, p.Lys278Glu (NM_001010895.4, NM_001375291.1, NM_001375292.1 and 2 more transcripts); short protein forms K278E.
Identifiers: ClinVar variation 3845903 (VCV003845903.1).

ClinVar aggregate classification (germline): Uncertain significance (1 of 4 stars; one submission).

Conditions:
Inborn genetic diseases. Identifiers: MedGen C0950123, MeSH D030342.

gnomAD v4.1: 7 of 1,613,928 alleles (0.00043%); highest among the groups gnomAD compares: Non-Finnish European, 0.00059%; no homozygotes.

Submission:

Ambry Genetics
Classification: Uncertain significance for Inborn genetic diseases. Last evaluated: 2025-01-31. Review status: criteria provided, single submitter. Criteria: Ambry Variant Classification Scheme 2023. Collection method: clinical testing. Allele origin: germline.
Comment: The p.K278E variant (also known as c.832A>G), located in coding exon 5 of the ERCC6L2 gene, results from an A to G substitution at nucleotide position 832. The lysine at codon 278 is replaced by glutamic acid, an amino acid with similar properties. This amino acid position is conserved. In addition, this alteration is predicted to be deleterious by in silico analysis. Based on the available evidence, the clinical significance of this variant remains unclear.